The following is an entry in ClinVar:

NM_002187.3(IL12B):c.410C>G (p.Ser137Cys)

Gene: IL12B (interleukin 12B; minus strand). Cytogenetic location: 5q33.3.
Variant type: single nucleotide variant.
Coding change: c.410C>G on transcript NM_002187.3 (MANE Select); coding-DNA position 410, C replaced by G.
Protein change: p.Ser137Cys; replaces serine 137 with cysteine.
Molecular consequence: missense variant.
Genome position (GRCh38, 1-based): chr5:159,322,466, G>C on the plus strand (C>G on the coding strand, the complement: IL12B is on the minus strand). VCF-style: chr5-159322466-G-C. GRCh37 (hg19) VCF-style: chr5-158749474-G-C.
Other names: short protein forms S137C.
Identifiers: ClinVar variation 1715148 (VCV001715148.6), dbSNP rs2480207855, ClinGen allele CA362034196.
Genomic context (GRCh38, chr5:159,322,466, plus strand): 5'-TTGACACTGAATGTCAAATCAGTACTGATTGTCGTCAGCCACCAGCAGGTGAAACGTCCA[G>C]AATAATTCTTGGCCTCGCATCTTAGAAAGGTCTTATTTTTGGGTTCTGGATTTGAAAAAA-3'
Protein context (NP_002178.2, residues 127-147): TFLRCEAKNY[Ser137Cys]GRFTCWWLTT

ClinVar aggregate classification (germline): Uncertain significance (1 of 4 stars; one submission).

Conditions:
Mendelian susceptibility to mycobacterial diseases due to complete IL12B deficiency. Also called: IL12B DEFICIENCY; Immunodeficiency 29. Identifiers: Orphanet 319558, MedGen C4013948, MONDO:0013954, OMIM 614890.

Allele frequency attached by ClinVar (database versions not stated): gnomAD exomes below 0.00001.

Submission:

Labcorp Genetics (formerly Invitae), Labcorp
Classification: Uncertain significance for Mendelian susceptibility to mycobacterial diseases due to complete IL12B deficiency. Last evaluated: 2022-10-25. Review status: criteria provided, single submitter. Criteria: Invitae Variant Classification Sherloc (09022015). Collection method: clinical testing. Allele origin: germline.
Comment: This variant is not present in population databases (gnomAD no frequency). This sequence change replaces serine, which is neutral and polar, with cysteine, which is neutral and slightly polar, at codon 137 of the IL12B protein (p.Ser137Cys). This variant has not been reported in the literature in individuals affected with IL12B-related conditions. In summary, the available evidence is currently insufficient to determine the role of this variant in disease. Therefore, it has been classified as a Variant of Uncertain Significance. Advanced modeling of protein sequence and biophysical properties (such as structural, functional, and spatial information, amino acid conservation, physicochemical variation, residue mobility, and thermodynamic stability) performed at Invitae indicates that this missense variant is expected to disrupt IL12B protein function.